The following is an entry in ClinVar:

NM_024642.5(GALNT12):c.443C>A (p.Ala148Asp)

Gene: GALNT12 (polypeptide N-acetylgalactosaminyltransferase 12; plus strand). Cytogenetic location: 9q22.33.
Variant type: single nucleotide variant.
Coding change: c.443C>A on transcript NM_024642.5 (MANE Select); coding-DNA position 443, C replaced by A.
Protein change: p.Ala148Asp; replaces alanine 148 with aspartic acid.
Molecular consequence: missense variant.
Genome position (GRCh38, 1-based): chr9:98,823,327, C>A. VCF-style: chr9-98823327-C-A. GRCh37 (hg19) VCF-style: chr9-101585609-C-A.
Other names: short protein forms A148D.
Identifiers: ClinVar variation 3852668 (VCV003852668.1).

ClinVar aggregate classification (germline): Uncertain significance (1 of 4 stars; one submission).

Submission:

Ambry Genetics
Classification: Uncertain significance. Last evaluated: 2025-01-17. Review status: criteria provided, single submitter. Criteria: Ambry Variant Classification Scheme 2023. Collection method: clinical testing. Allele origin: germline.
Comment: The p.A148D variant (also known as c.443C>A), located in coding exon 2 of the GALNT12 gene, results from a C to A substitution at nucleotide position 443. The alanine at codon 148 is replaced by aspartic acid, an amino acid with dissimilar properties. This amino acid position is conserved. In addition, this alteration is predicted to be deleterious by in silico analysis. Based on the available evidence, the clinical significance of this variant remains unclear.